The following is an entry in ClinVar:

ClinVar aggregate classification (germline): Uncertain significance (1 of 4 stars; one submission).

Conditions:
Inborn genetic diseases. Identifiers: MedGen C0950123, MeSH D030342.

Submission:

Ambry Genetics
Classification: Uncertain significance for Inborn genetic diseases. Last evaluated: 2025-01-25. Review status: criteria provided, single submitter. Criteria: Ambry Variant Classification Scheme 2023. Collection method: clinical testing. Allele origin: germline.
Comment: The p.S284P variant (also known as c.850T>C), located in coding exon 5 of the ETV6 gene, results from a T to C substitution at nucleotide position 850. The serine at codon 284 is replaced by proline, an amino acid with similar properties. This amino acid position is conserved. In addition, this alteration is predicted to be tolerated by in silico analysis. Based on the available evidence, the clinical significance of this variant remains unclear.

NM_001987.5(ETV6):c.850T>C (p.Ser284Pro)

Gene: ETV6 (ETS variant transcription factor 6; plus strand). Cytogenetic location: 12p13.2.
Variant type: single nucleotide variant.
Coding change: c.850T>C on transcript NM_001987.5 (MANE Select); coding-DNA position 850, T replaced by C.
Protein change: p.Ser284Pro; replaces serine 284 with proline.
Molecular consequence: missense variant.
Genome position (GRCh38, 1-based): chr12:11,869,810, T>C. VCF-style: chr12-11869810-T-C. GRCh37 (hg19) VCF-style: chr12-12022744-T-C.
Other names: c.847T>C, p.Ser283Pro (NM_001413913.1); c.823T>C, p.Ser275Pro (NM_001413914.1); c.586T>C, p.Ser196Pro (NM_001413915.1); c.850T>C, p.Ser284Pro (NM_001413916.1, NM_001413917.1); short protein forms S284P, S196P, S275P, S283P.
Identifiers: ClinVar variation 3846449 (VCV003846449.1).